The following is an entry in ClinVar:

ClinVar aggregate classification (germline): Uncertain significance (1 of 4 stars; one submission).

gnomAD v4.1: 1 of 1,612,642 alleles (0.000062%); highest among the groups gnomAD compares: Non-Finnish European, 0.000085%; no homozygotes.

Submission:

Labcorp Genetics (formerly Invitae), Labcorp
Classification: Uncertain significance. Last evaluated: 2025-06-10. Review status: criteria provided, single submitter. Criteria: Invitae Variant Classification Sherloc (09022015). Collection method: clinical testing. Allele origin: germline.
Comment: This sequence change falls in intron 4 of the PPP2R1A gene. It does not directly change the encoded amino acid sequence of the PPP2R1A protein. This variant is not present in population databases (gnomAD no frequency). This variant has not been reported in the literature in individuals affected with PPP2R1A-related conditions. ClinVar contains an entry for this variant (Variation ID: 3666880). Algorithms developed to predict the effect of sequence changes on RNA splicing suggest that this variant may disrupt the consensus splice site. In summary, the available evidence is currently insufficient to determine the role of this variant in disease. Therefore, it has been classified as a Variant of Uncertain Significance.

NM_014225.6(PPP2R1A):c.504-6T>G

Gene: PPP2R1A (protein phosphatase 2 scaffold subunit Aalpha; plus strand). Cytogenetic location: 19q13.41.
Variant type: single nucleotide variant.
Coding change: c.504-6T>G on transcript NM_014225.6 (MANE Select); 6 bases into the intron before coding-DNA position 504, T replaced by G.
Molecular consequence: intron variant.
Genome position (GRCh38, 1-based): chr19:52,212,680, T>G. VCF-style: chr19-52212680-T-G. GRCh37 (hg19) VCF-style: chr19-52715933-T-G.
Other names: c.-34-6T>G (NM_001363656.2).
Identifiers: ClinVar variation 3666880 (VCV003666880.2).